The following is an entry in ClinVar:

ClinVar aggregate classification (germline): Uncertain significance (1 of 4 stars; one submission).

Conditions:
Episodic ataxia type 2 (EA2). Also called: ACETAZOLAMIDE-RESPONSIVE HEREDITARY PAROXYSMAL CEREBELLAR ATAXIA; ATAXIA, EPISODIC, WITH NYSTAGMUS; ATAXIA, FAMILIAL PAROXYSMAL; CEREBELLAR ATAXIA, PAROXYSMAL, ACETAZOLAMIDE-RESPONSIVE; CEREBELLOPATHY, HEREDITARY PAROXYSMAL; EPISODIC ATAXIA, NYSTAGMUS-ASSOCIATED. Identifiers: Orphanet 97, MedGen C1720416, MONDO:0007163, OMIM 108500.
Developmental and epileptic encephalopathy, 42 (DEE42A). Also called: Epileptic encephalopathy, early infantile, 42; DEVELOPMENTAL AND EPILEPTIC ENCEPHALOPATHY 42A; EPILEPTIC ENCEPHALOPATHY, EARLY INFANTILE, 42A. Identifiers: MedGen C4310716, MONDO:0014917, OMIM 617106.

Submission:

Labcorp Genetics (formerly Invitae), Labcorp
Classification: Uncertain significance for Developmental and epileptic encephalopathy, 42; Episodic ataxia type 2. Last evaluated: 2025-09-30. Review status: criteria provided, single submitter. Criteria: Invitae Variant Classification Sherloc (09022015). Collection method: clinical testing. Allele origin: germline.
Comment: This sequence change replaces isoleucine, which is neutral and non-polar, with threonine, which is neutral and polar, at codon 2116 of the CACNA1A protein (p.Ile2116Thr). This variant is not present in population databases (gnomAD no frequency). This variant has not been reported in the literature in individuals affected with CACNA1A-related conditions. Invitae Evidence Modeling of protein sequence and biophysical properties (such as structural, functional, and spatial information, amino acid conservation, physicochemical variation, residue mobility, and thermodynamic stability) indicates that this missense variant is not expected to disrupt CACNA1A protein function with a negative predictive value of 95%. In summary, the available evidence is currently insufficient to determine the role of this variant in disease. Therefore, it has been classified as a Variant of Uncertain Significance.

NM_001127222.2(CACNA1A):c.6344T>C (p.Ile2115Thr)

Gene: CACNA1A (calcium voltage-gated channel subunit alpha1 A; minus strand). Cytogenetic location: 19p13.13.
Variant type: single nucleotide variant.
Coding change: c.6344T>C on transcript NM_001127222.2 (MANE Select); coding-DNA position 6344, T replaced by C.
Protein change: p.Ile2115Thr; replaces isoleucine 2115 with threonine.
Molecular consequence: missense variant.
Genome position (GRCh38, 1-based): chr19:13,209,494, A>G on the plus strand (T>C on the coding strand, the complement: CACNA1A is on the minus strand). VCF-style: chr19-13209494-A-G. GRCh37 (hg19) VCF-style: chr19-13320308-A-G.
Other names: c.6362T>C, p.Ile2121Thr (NM_023035.3, NM_000068.4); c.6347T>C, p.Ile2116Thr (NM_001127221.2); c.6353T>C, p.Ile2118Thr (NM_001174080.2); short protein forms I2118T, I2121T, I2115T, I2116T.
Identifiers: ClinVar variation 4793483 (VCV004793483.1).